The following is an entry in ClinVar:

ClinVar aggregate classification (germline): Uncertain significance (1 of 4 stars; one submission).

Conditions:
Hereditary cancer-predisposing syndrome. Also called: Tumor predisposition; Hereditary neoplastic syndrome; Hereditary Cancer Syndrome; Neoplastic Syndromes, Hereditary. Identifiers: Orphanet 140162, MedGen C0027672, MeSH D009386, MONDO:0015356.

gnomAD v4.1: 1 of 1,613,892 alleles (0.000062%); highest among the groups gnomAD compares: African/African-American, 0.0013%; no homozygotes.

Submission:

Ambry Genetics
Classification: Uncertain significance for Hereditary cancer-predisposing syndrome. Last evaluated: 2024-02-25. Review status: criteria provided, single submitter. Criteria: Ambry Variant Classification Scheme 2023. Collection method: clinical testing. Allele origin: germline.
Comment: The p.S160C variant (also known as c.479C>G), located in coding exon 2 of the CDKN1B gene, results from a C to G substitution at nucleotide position 479. The serine at codon 160 is replaced by cysteine, an amino acid with dissimilar properties. This amino acid position is conserved. In addition, this alteration is predicted to be tolerated by in silico analysis. Based on the available evidence, the clinical significance of this alteration remains unclear.

NM_004064.5(CDKN1B):c.479C>G (p.Ser160Cys)

Gene: CDKN1B (cyclin dependent kinase inhibitor 1B; plus strand). Cytogenetic location: 12p13.1.
Variant type: single nucleotide variant.
Coding change: c.479C>G on transcript NM_004064.5 (MANE Select); coding-DNA position 479, C replaced by G.
Protein change: p.Ser160Cys; replaces serine 160 with cysteine.
Molecular consequence: missense variant.
Genome position (GRCh38, 1-based): chr12:12,718,828, C>G. VCF-style: chr12-12718828-C-G. GRCh37 (hg19) VCF-style: chr12-12871762-C-G.
Other names: short protein forms S160C.
Identifiers: ClinVar variation 3223679 (VCV003223679.1), dbSNP rs770629019, ClinGen allele CA383972513.